The following is an entry in ClinVar:

NM_002834.5(PTPN11):c.718A>G (p.Thr240Ala)

Gene: PTPN11 (protein tyrosine phosphatase non-receptor type 11; plus strand). Cytogenetic location: 12q24.13.
Variant type: single nucleotide variant.
Coding change: c.718A>G on transcript NM_002834.5 (MANE Select); coding-DNA position 718, A replaced by G.
Protein change: p.Thr240Ala; replaces threonine 240 with alanine.
Molecular consequence: missense variant.
Genome position (GRCh38, 1-based): chr12:112,456,025, A>G. VCF-style: chr12-112456025-A-G. GRCh37 (hg19) VCF-style: chr12-112893829-A-G.
Other names: c.718A>G, p.Thr240Ala (NM_001330437.2, NM_080601.3); c.715A>G, p.Thr239Ala (NM_001374625.1); short protein forms T239A, T240A.
Identifiers: ClinVar variation 3784981 (VCV003784981.1).

ClinVar aggregate classification (germline): Uncertain significance (1 of 4 stars; one submission).

Conditions:
Cardiovascular phenotype. Identifiers: MedGen CN230736.

Submission:

Ambry Genetics
Classification: Uncertain significance for Cardiovascular phenotype. Last evaluated: 2025-03-08. Review status: criteria provided, single submitter. Criteria: Ambry Variant Classification Scheme 2023. Collection method: clinical testing. Allele origin: germline.
Comment: The p.T240A variant (also known as c.718A>G), located in coding exon 6 of the PTPN11 gene, results from an A to G substitution at nucleotide position 718. The threonine at codon 240 is replaced by alanine, an amino acid with similar properties. This amino acid position is conserved. In addition, this alteration is predicted to be deleterious by in silico analysis. Based on the available evidence, the clinical significance of this variant remains unclear.